The following is an entry in ClinVar:

NM_152393.4(KLHL40):c.248C>T (p.Ala83Val)

Gene: KLHL40 (kelch like family member 40; plus strand). Cytogenetic location: 3p22.1.
Variant type: single nucleotide variant.
Coding change: c.248C>T on transcript NM_152393.4 (MANE Select); coding-DNA position 248, C replaced by T.
Protein change: p.Ala83Val; replaces alanine 83 with valine.
Molecular consequence: missense variant.
Genome position (GRCh38, 1-based): chr3:42,685,866, C>T. VCF-style: chr3-42685866-C-T. GRCh37 (hg19) VCF-style: chr3-42727358-C-T.
Other names: c.248C>T (NM_152393.2); short protein forms A83V.
Identifiers: ClinVar variation 1493227 (VCV001493227.7), dbSNP rs1246685748, ClinGen allele CA352288979.

ClinVar aggregate classification (germline): Uncertain significance. Review status: criteria provided, multiple submitters, no conflicts (2 of 4 stars). 2 submissions from 2 submitters: Uncertain significance (2). Last evaluated 2025-06-09.

Conditions:
Inborn genetic diseases. Identifiers: MedGen C0950123, MeSH D030342.
Nemaline myopathy 8 (NEM8). Also called: Nemaline myopathy 8, autosomal recessive. Identifiers: Orphanet 171430, MedGen C3809209, MONDO:0014138, OMIM 615348.

Submissions (2):

Labcorp Genetics (formerly Invitae), Labcorp
Classification: Uncertain significance for Nemaline myopathy 8. Last evaluated: 2025-06-09. Review status: criteria provided, single submitter. Criteria: Invitae Variant Classification Sherloc (09022015). Collection method: clinical testing. Allele origin: germline.
Comment: This sequence change replaces alanine, which is neutral and non-polar, with valine, which is neutral and non-polar, at codon 83 of the KLHL40 protein (p.Ala83Val). This variant is not present in population databases (gnomAD no frequency). This variant has not been reported in the literature in individuals affected with KLHL40-related conditions. ClinVar contains an entry for this variant (Variation ID: 1493227). Invitae Evidence Modeling of protein sequence and biophysical properties (such as structural, functional, and spatial information, amino acid conservation, physicochemical variation, residue mobility, and thermodynamic stability) indicates that this missense variant is not expected to disrupt KLHL40 protein function with a negative predictive value of 80%. In summary, the available evidence is currently insufficient to determine the role of this variant in disease. Therefore, it has been classified as a Variant of Uncertain Significance.

Ambry Genetics
Classification: Uncertain significance for Inborn genetic diseases. Last evaluated: 2025-02-21. Review status: criteria provided, single submitter. Criteria: Ambry Variant Classification Scheme 2023. Collection method: clinical testing. Allele origin: germline.